The following is an entry in ClinVar:

NM_033380.3(COL4A5):c.4599C>A (p.Cys1533Ter)

Gene: COL4A5 (collagen type IV alpha 5 chain; plus strand). Cytogenetic location: Xq22.3.
Variant type: single nucleotide variant.
Coding change: c.4599C>A on transcript NM_033380.3 (MANE Select); coding-DNA position 4599, C replaced by A.
Protein change: p.Cys1533Ter; replaces cysteine 1533 with a stop codon.
Molecular consequence: nonsense.
Genome position (GRCh38, 1-based): chrX:108,692,818, C>A. VCF-style: chrX-108692818-C-A. GRCh37 (hg19) VCF-style: chrX-107936048-C-A.
Other names: c.4581C>A, p.Cys1527Ter (NM_000495.5); short protein forms C1527*, C1533*.
Identifiers: ClinVar variation 4293016 (VCV004293016.1).

ClinVar aggregate classification (germline): Likely pathogenic (1 of 4 stars; one submission).

Conditions:
X-linked Alport syndrome (ATS1). Also called: COL4A5-Related Nephropathy; NEPHROPATHY AND DEAFNESS, X-LINKED. Identifiers: Orphanet 63, Orphanet 88917, MedGen C4746986, MONDO:0010520, OMIM 301050.

Submission:

3billion
Classification: Likely pathogenic for X-linked Alport syndrome. Last evaluated: 2024-07-25. Review status: criteria provided, single submitter. Criteria: ACMG Guidelines, 2015. Collection method: clinical testing. Allele origin: germline. Affected: yes.
Comment: The variant is not observed in the gnomAD v4.0.0 dataset. Predicted Consequence/Location: Stop-gained (nonsense): predicted to result in a loss or disruption of normal protein function through nonsense-mediated decay (NMD) or protein truncation. Multiple pathogenic variants are reported downstream of the variant. Therefore, this variant is classified as Likely pathogenic according to the recommendation of ACMG/AMP guideline.